The following is an entry in ClinVar:

NM_001374736.1(DST):c.18731T>A (p.Val6244Asp)

Gene: DST (dystonin; minus strand). Cytogenetic location: 6p12.1.
Variant type: single nucleotide variant.
Coding change: c.18731T>A on transcript NM_001374736.1 (MANE Select); coding-DNA position 18731, T replaced by A.
Protein change: p.Val6244Asp; replaces valine 6244 with aspartic acid.
Molecular consequence: missense variant.
Genome position (GRCh38, 1-based): chr6:56,511,246, A>T on the plus strand (T>A on the coding strand, the complement: DST is on the minus strand). VCF-style: chr6-56511246-A-T. GRCh37 (hg19) VCF-style: chr6-56376044-A-T.
Other names: c.12374T>A, p.Val4125Asp (NM_001144769.5); c.11960T>A, p.Val3987Asp (NM_001144770.2); c.18731T>A, p.Val6244Asp (NM_001374722.1); c.17771T>A, p.Val5924Asp (NM_001374729.1); c.11513T>A, p.Val3838Asp (NM_001374730.1); c.18758T>A, p.Val6253Asp (NM_001374734.1); c.11840T>A, p.Val3947Asp (NM_001386100.1, NM_183380.4); c.10862T>A, p.Val3621Asp (NM_015548.5); short protein forms V6244D, V3621D, V3987D, V4125D, V5924D, V3838D, V3947D, V6253D.
Identifiers: ClinVar variation 1988083 (VCV001988083.4), dbSNP rs2534368895, ClinGen allele CA364502090.
Genomic context (GRCh38, chr6:56,511,246, plus strand): 5'-TAAACAATTACCTGAGTTGATTGAGAAATGGCTTCATCCAGTGCCACAGCACGCTTTTTG[A>T]CATCTTCTTTAATTTGACTGTAAAGGGTGTCGGCTGCCACATACTTCTCTTGGATAGAAA-3'
Protein context (NP_001361665.1, residues 6234-6254): DTLYSQIKED[Val6244Asp]KKRAVALDEA

ClinVar aggregate classification (germline): Uncertain significance (1 of 4 stars; one submission).

Conditions:
Epidermolysis bullosa simplex 3, localized or generalized intermediate, with BP230 deficiency (EBS3). Also called: Epidermolysis bullosa simplex, autosomal recessive 2; Epidermolysis bullosa simplex due to BP230 deficiency. Identifiers: Orphanet 412181, MedGen C3809470, MONDO:0014180, OMIM 615425.
Hereditary sensory and autonomic neuropathy type 6. Also called: Neuropathy, hereditary sensory and autonomic, type VI; HSAN VI. Identifiers: Orphanet 314381, MedGen C3539003, MONDO:0013839, OMIM 614653.

Submission:

Labcorp Genetics (formerly Invitae), Labcorp
Classification: Uncertain significance for Epidermolysis bullosa simplex 3, localized or generalized intermediate, with BP230 deficiency; Hereditary sensory and autonomic neuropathy type 6. Last evaluated: 2022-03-14. Review status: criteria provided, single submitter. Criteria: Invitae Variant Classification Sherloc (09022015). Collection method: clinical testing. Allele origin: germline.
Comment: In summary, the available evidence is currently insufficient to determine the role of this variant in disease. Therefore, it has been classified as a Variant of Uncertain Significance. Experimental studies and prediction algorithms are not available or were not evaluated, and the functional significance of this variant is currently unknown. This variant has not been reported in the literature in individuals affected with DST-related conditions. This variant is not present in population databases (gnomAD no frequency). This sequence change replaces valine, which is neutral and non-polar, with aspartic acid, which is acidic and polar, at codon 3621 of the DST protein (p.Val3621Asp). The DST gene has multiple clinically relevant transcripts. This variant occurs in alternate transcript NM_015548.4, and corresponds to NM_001723.5:c.*104271T>A in the primary transcript.